The following is an entry in ClinVar:

ClinVar aggregate classification (germline): Likely benign. Review status: reviewed by expert panel (3 of 4 stars). 6 submissions from 6 submitters: Likely benign (1). 5 of the submissions do not count toward it. Last evaluated 2025-01-30.

Conditions:
GUCY2D-related recessive retinopathy. Also called: Recessive GUCY2D retinopathy. Identifiers: MedGen CN305603, MONDO:0100453.
GUCY2D-related disorder. Also called: GUCY2D-related condition.
Cone-rod dystrophy 6 (CORD6). Also called: Cone dystrophy progressive; RETINAL CONE DYSTROPHY 2. Identifiers: Orphanet 1872, MedGen C1866293, MONDO:0011143, OMIM 601777.
Leber congenital amaurosis 1 (LCA1). Also called: Congenital absence of the rods and cones; Leber's congenital tapetoretinal degeneration; Leber's congenital tapetoretinal dysplasia; RETINAL BLINDNESS, CONGENITAL; AMAUROSIS CONGENITA OF LEBER I. Identifiers: Orphanet 65, MedGen C2931258, MONDO:0008764, OMIM 204000.

Allele frequency attached by ClinVar (database versions not stated): gnomAD 0.00104 and 0.00106; TOPMed 0.00115; 1000 Genomes Project 30x 0.00187; 1000 Genomes Project 0.00200; gnomAD exomes 0.00013 and 0.00028; ExAC 0.00047; ESP Exome Variant Server 0.00100.

Submissions (6):

ClinGen Leber Congenital Amaurosis/early Onset Retinal Dystrophy Variant Curation Expert Panel, ClinGen
Classification: Likely benign for GUCY2D-related recessive retinopathy. Last evaluated: 2025-01-30. Review status: reviewed by expert panel. Criteria: ClinGen LCAeoRD ACMG Specifications GUCY2D V1.0.0. Collection method: curation. Allele origin: germline. Inheritance: Autosomal recessive inheritance.
Comment: The NM_000180.4(GUCY2D):c.3098C>T (p.Ser1033Leu) variant is predicted to replace the serine at position p.1033 with leucine. This variant is present in gnomAD v.4.1.0 at a GrpMax allele frequency of 0.003423, with 284 alleles / 75032 total alleles in the African/African American population, which is higher than the ClinGen LCA / eoRD VCEP BS1 threshold of >0.0016 (BS1). The computational predictor REVEL gives a score of 0.203, which is below the ClinGen LCA / eoRD VCEP threshold of ≤0.290 and predicts a non-damaging effect on RetGC-1 protein function. In addition, the splicing impact predictor SpliceAI gives a delta score of 0.00, which is below the ClinGen LCA/eoRD VCEP recommended threshold of <0.1 and does not predict an impact on splicing (BP4). In summary, this variant meets the criteria to be classified as Likely Benign for GUCY2D-related recessive retinopathy based on the ACMG/AMP criteria applied, as specified by the ClinGen LCA/eoRD VCEP: BS1, BP4. (VCEP specifications version 1.0.0; date of approval 01/22/2025).

Labcorp Genetics (formerly Invitae), Labcorp
Classification: Likely benign for Leber congenital amaurosis 1; Cone-rod dystrophy 6. Last evaluated: 2026-01-27. Review status: criteria provided, single submitter. Criteria: Invitae Variant Classification Sherloc (09022015). Collection method: clinical testing. Allele origin: germline. Not counted in ClinVar's aggregate classification.

Blueprint Genetics
Classification: Benign. Last evaluated: 2024-09-07. Review status: criteria provided, single submitter. Criteria: ACMG Guidelines, 2015. Collection method: clinical testing. Allele origin: germline. Not counted in ClinVar's aggregate classification.

Eurofins Ntd Llc (ga)
Classification: Uncertain significance. Last evaluated: 2018-06-19. Review status: criteria provided, single submitter. Criteria: EGL ClinVar v180209 classification definitions. Collection method: clinical testing. Allele origin: germline. Observed: 2 variant alleles, 2 heterozygotes. Not counted in ClinVar's aggregate classification.

CeGaT Center for Human Genetics Tuebingen
Classification: Uncertain significance. Last evaluated: 2017-08-01. Review status: criteria provided, single submitter. Criteria: CeGaT Center For Human Genetics Tuebingen Variant Classification Criteria Version 2. Collection method: clinical testing. Allele origin: germline. Affected: yes. Observed: 1 variant allele. Not counted in ClinVar's aggregate classification.

PreventionGenetics, part of Exact Sciences
Classification: Likely benign for GUCY2D-related condition. Last evaluated: 2019-05-06. Review status: no assertion criteria provided. Collection method: clinical testing. Allele origin: germline. Not counted in ClinVar's aggregate classification.
Comment: This variant is classified as likely benign based on ACMG/AMP sequence variant interpretation guidelines (Richards et al. 2015 PMID: 25741868, with internal and published modifications).

NM_000180.4(GUCY2D):c.3098C>T (p.Ser1033Leu)

Gene: GUCY2D (guanylate cyclase 2D, retinal; plus strand). Cytogenetic location: 17p13.1.
Variant type: single nucleotide variant.
Coding change: c.3098C>T on transcript NM_000180.4 (MANE Select); coding-DNA position 3098, C replaced by T.
Protein change: p.Ser1033Leu; replaces serine 1033 with leucine.
Molecular consequence: missense variant.
Genome position (GRCh38, 1-based): chr17:8,015,981, C>T. VCF-style: chr17-8015981-C-T. GRCh37 (hg19) VCF-style: chr17-7919299-C-T.
Other names: NM_000180.4(GUCY2D):c.3098C>T; p.Ser1033Leu; short protein forms S1033L.
Identifiers: ClinVar variation 194699 (VCV000194699.58), dbSNP rs146149224, ClinGen allele CA240817.